The following is an entry in ClinVar:

ClinVar aggregate classification (germline): Uncertain significance. Review status: criteria provided, single submitter (1 of 4 stars). 2 submissions from 2 submitters: Uncertain significance (1). 1 of the submissions does not count toward it. Last evaluated 2023-12-26.

Conditions:
Hereditary spastic paraplegia 8 (SPG8). Also called: SPASTIC PARAPLEGIA 8, AUTOSOMAL DOMINANT. Identifiers: Orphanet 100989, MedGen C1863704, MONDO:0011339, OMIM 603563.

gnomAD v4.1: 11 of 1,612,318 alleles (0.00068%); highest among the groups gnomAD compares: Non-Finnish European, 0.00093%; no homozygotes.

Submissions (2):

GeneDx
Classification: Uncertain significance. Last evaluated: 2023-12-26. Review status: criteria provided, single submitter. Criteria: GeneDx Variant Classification Process June 2021. Collection method: clinical testing. Allele origin: germline. Affected: yes.
Comment: Not observed at significant frequency in large population cohorts (gnomAD); In silico analysis supports that this missense variant has a deleterious effect on protein structure/function; In silico analysis is inconclusive as to whether the variant alters gene splicing. In the absence of RNA/functional studies, the actual effect of this sequence change is unknown.; Has not been previously published as pathogenic or benign to our knowledge; This variant is associated with the following publications: (PMID: 24451228)

Institute of Human Genetics, University of Wuerzburg
Classification: Uncertain significance for Hereditary spastic paraplegia 8. Review status: no assertion criteria provided. Collection method: clinical testing. Allele origin: unknown. Affected: yes. Observed: 1 variant allele. Not counted in ClinVar's aggregate classification.

NM_014846.4(WASHC5):c.1522G>T (p.Val508Phe)

Gene: WASHC5 (WASH complex subunit 5; minus strand). Cytogenetic location: 8q24.13.
Variant type: single nucleotide variant.
Coding change: c.1522G>T on transcript NM_014846.4 (MANE Select); coding-DNA position 1522, G replaced by T.
Protein change: p.Val508Phe; replaces valine 508 with phenylalanine.
Molecular consequence: missense variant.
Genome position (GRCh38, 1-based): chr8:125,059,542, C>A on the plus strand (G>T on the coding strand, the complement: WASHC5 is on the minus strand). VCF-style: chr8-125059542-C-A. GRCh37 (hg19) VCF-style: chr8-126071784-C-A.
Other names: c.1078G>T, p.Val360Phe (NM_001330609.2); short protein forms V360F, V508F.
Identifiers: ClinVar variation 3370057 (VCV003370057.2).
Genomic context (GRCh38, chr8:125,059,542, plus strand): 5'-GAGTATCGGCAAGAAACTGACATACTTGCAGATTGGATTCCAACTGGTGGAATTCTTGAA[C>A]CTGTGTTACAGAAATATACTTAATTTAAAAATCCTGAATGGACTCTATGGTGCTCATTTG-3'
Protein context (NP_055661.3, residues 498-518): TVQLIQALEE[Val508Phe]QEFHQLESNL